The following is an entry in ClinVar:

NM_001733.7(C1R):c.2000G>T (p.Arg667Leu)

Gene: C1R (complement C1r; minus strand). Cytogenetic location: 12p13.31.
Variant type: single nucleotide variant.
Coding change: c.2000G>T on transcript NM_001733.7 (MANE Select); coding-DNA position 2000, G replaced by T.
Protein change: p.Arg667Leu; replaces arginine 667 with leucine.
Molecular consequence: missense variant.
Genome position (GRCh38, 1-based): chr12:7,080,650, C>A on the plus strand (G>T on the coding strand, the complement: C1R is on the minus strand). VCF-style: chr12-7080650-C-A. GRCh37 (hg19) VCF-style: chr12-7187954-C-A.
Other names: c.2042G>T, p.Arg681Leu (NM_001354346.2); short protein forms R667L, R681L.
Identifiers: ClinVar variation 5018412 (VCV005018412.1).

ClinVar aggregate classification (germline): Uncertain significance (1 of 4 stars; one submission).

gnomAD v4.1: 2 of 1,613,864 alleles (0.00012%); highest among the groups gnomAD compares: Non-Finnish European, 0.00017%; no homozygotes.

Submission:

GeneDx
Classification: Uncertain significance. Last evaluated: 2026-04-10. Review status: criteria provided, single submitter. Criteria: GeneDx Variant Classification Process June 2021. Collection method: clinical testing. Allele origin: germline.
Comment: In silico analysis supports that this missense variant has a deleterious effect on protein structure/function; Has not been previously published as pathogenic or benign to our knowledge